The following is an entry in ClinVar:

NM_014391.3(ANKRD1):c.27+4T>C

Gene: ANKRD1 (ankyrin repeat domain 1; minus strand). Cytogenetic location: 10q23.31.
Variant type: single nucleotide variant.
Coding change: c.27+4T>C on transcript NM_014391.3 (MANE Select); 4 bases into the intron after coding-DNA position 27, T replaced by C.
Molecular consequence: intron variant.
Genome position (GRCh38, 1-based): chr10:90,920,997, A>G on the plus strand (T>C on the coding strand, the complement: ANKRD1 is on the minus strand). VCF-style: chr10-90920997-A-G. GRCh37 (hg19) VCF-style: chr10-92680754-A-G.
Identifiers: ClinVar variation 1505124 (VCV001505124.6), dbSNP rs376540175, ClinGen allele CA1927491772.

ClinVar aggregate classification (germline): Uncertain significance (1 of 4 stars; one submission).

Conditions:
ANKRD1-related dilated cardiomyopathy. Identifiers: MedGen CN119551.

Submission:

Labcorp Genetics (formerly Invitae), Labcorp
Classification: Uncertain significance for ANKRD1-related dilated cardiomyopathy. Last evaluated: 2022-05-06. Review status: criteria provided, single submitter. Criteria: Invitae Variant Classification Sherloc (09022015). Collection method: clinical testing. Allele origin: germline.
Comment: In summary, the available evidence is currently insufficient to determine the role of this variant in disease. Therefore, it has been classified as a Variant of Uncertain Significance. Variants that disrupt the consensus splice site are a relatively common cause of aberrant splicing (PMID: 17576681, 9536098). Algorithms developed to predict the effect of sequence changes on RNA splicing suggest that this variant is not likely to affect RNA splicing. This variant has not been reported in the literature in individuals affected with ANKRD1-related conditions. This variant is not present in population databases (gnomAD no frequency). This sequence change falls in intron 1 of the ANKRD1 gene. It does not directly change the encoded amino acid sequence of the ANKRD1 protein. It affects a nucleotide within the consensus splice site.

Literature cited by the submitters: PubMed 17576681; PubMed 9536098.